The following is an entry in ClinVar:

Conditions:
Arteriohepatic dysplasia. Also called: Alagille Syndrome. Identifiers: Orphanet 52, MedGen C0085280, MeSH D016738, MONDO:0007318.

Submission:

Gilbert/Spinner Lab, Children's Hospital of Philadelphia
No classification provided (evidence only). Condition: Alagille syndrome. Review status: no classification provided. Collection method: research. Allele origin: not applicable. Functional consequence: functionally_abnormal.
ClinVar note: "not provided" was previously submitted as the classification for the variant. However, the classification appeared to be based only on an observation of functional data so it was converted to no classification on 2025-07-30.

NM_000214.3(JAG1):c.279C>A (p.Ser93Arg)

Gene: JAG1 (jagged canonical Notch ligand 1; minus strand). Cytogenetic location: 20p12.2.
Variant type: single nucleotide variant.
Coding change: c.279C>A on transcript NM_000214.3 (MANE Select); coding-DNA position 279, C replaced by A.
Protein change: p.Ser93Arg; replaces serine 93 with arginine.
Molecular consequence: missense variant.
Genome position (GRCh38, 1-based): chr20:10,672,809, G>T on the plus strand (C>A on the coding strand, the complement: JAG1 is on the minus strand). VCF-style: chr20-10672809-G-T. GRCh37 (hg19) VCF-style: chr20-10653457-G-T.
Other names: short protein forms S93R.
Identifiers: ClinVar variation 3573435 (VCV003573435.2).